The following is an entry in ClinVar:

NM_000465.4(BARD1):c.1395+3A>G

Gene: BARD1 (BRCA1 associated RING domain 1; minus strand). Cytogenetic location: 2q35.
Variant type: single nucleotide variant.
Coding change: c.1395+3A>G on transcript NM_000465.4 (MANE Select); 3 bases into the intron after coding-DNA position 1395, A replaced by G.
Molecular consequence: intron variant.
Genome position (GRCh38, 1-based): chr2:214,769,229, T>C on the plus strand (A>G on the coding strand, the complement: BARD1 is on the minus strand). VCF-style: chr2-214769229-T-C. GRCh37 (hg19) VCF-style: chr2-215633953-T-C.
Other names: c.159-16674A>G (NM_001282548.2); c.1338+3A>G (NM_001282543.2); c.216-16674A>G (NM_001282545.2); c.364+23068A>G (NM_001282549.2).
Identifiers: ClinVar variation 3231767 (VCV003231767.3), dbSNP rs2469453907, ClinGen allele CA2662971828.

ClinVar aggregate classification (germline): Uncertain significance. Review status: criteria provided, multiple submitters, no conflicts (2 of 4 stars). 2 submissions from 2 submitters: Uncertain significance (2). Last evaluated 2025-05-06.

Conditions:
Hereditary cancer-predisposing syndrome. Also called: Neoplastic Syndromes, Hereditary; Tumor predisposition; Hereditary neoplastic syndrome; Hereditary Cancer Syndrome. Identifiers: Orphanet 140162, MedGen C0027672, MeSH D009386, MONDO:0015356.

Allele frequency attached by ClinVar (database versions not stated): gnomAD exomes below 0.00001.
gnomAD v4.1: 1 of 1,608,164 alleles (0.000062%); highest among the groups gnomAD compares: Non-Finnish European, 0.000085%; no homozygotes.

Submissions (2):

Ambry Genetics
Classification: Uncertain significance for Hereditary cancer-predisposing syndrome. Last evaluated: 2025-05-06. Review status: criteria provided, single submitter. Criteria: Ambry Variant Classification Scheme 2023. Collection method: clinical testing. Allele origin: germline.
Comment: The c.1395+3A>G intronic variant results from an A to G substitution 3 nucleotides after coding exon 5 in the BARD1 gene. This nucleotide position is well conserved in available vertebrate species. In silico splice site analysis predicts that this alteration may weaken the native splice donor site and may result in the creation or strengthening of a novel splice donor site; however, direct evidence is insufficient at this time (Ambry internal data). Based on the available evidence, the clinical significance of this alteration remains unclear.

GeneDx
Classification: Uncertain significance. Last evaluated: 2024-11-14. Review status: criteria provided, single submitter. Criteria: GeneDx Variant Classification Process June 2021. Collection method: clinical testing. Allele origin: germline. Affected: yes.
Comment: Not observed at significant frequency in large population cohorts (gnomAD); In silico analysis supports a deleterious effect on splicing; Has not been previously published as pathogenic or benign to our knowledge